The following is an entry in ClinVar:

NM_000246.4(CIITA):c.482C>G (p.Ala161Gly)

Gene: CIITA (class II major histocompatibility complex transactivator; plus strand). Cytogenetic location: 16p13.13.
Variant type: single nucleotide variant.
Coding change: c.482C>G on transcript NM_000246.4 (MANE Select); coding-DNA position 482, C replaced by G.
Protein change: p.Ala161Gly; replaces alanine 161 with glycine.
Molecular consequence: missense variant. On other transcripts: non-coding transcript variant (1), intron variant (3).
Genome position (GRCh38, 1-based): chr16:10,902,038, C>G. VCF-style: chr16-10902038-C-G. GRCh37 (hg19) VCF-style: chr16-10995895-C-G.
Other names: c.485C>G, p.Ala162Gly (NM_001286402.1, NM_001379332.1); c.482C>G, p.Ala161Gly (NM_001379333.1); c.413C>G, p.Ala138Gly (NM_001379334.1); c.484+480C>G (NM_001379330.1); c.481+480C>G (NM_001379331.1, NM_001286403.2); short protein forms A138G, A161G, A162G.
Identifiers: ClinVar variation 1051676 (VCV001051676.10), dbSNP rs763457920, ClinGen allele CA7899781.
Genomic context (GRCh38, chr16:10,902,038, plus strand): 5'-CCCCATCCCAGGAAGGCCCCTCCAAGCACCCAGTCTCTAACACAGCCCACTTCCTCACAG[C>G]TGAGCCCCCCACTGTGGTGACTGGCAGTCTCCTAGTGGGACCAGTGAGCGACTGCTCCAC-3'
Protein context (NP_000237.2, residues 151-171): LPADLKHWKP[Ala161Gly]EPPTVVTGSL

ClinVar aggregate classification (germline): Uncertain significance. Review status: criteria provided, single submitter (1 of 4 stars). 2 submissions from 2 submitters: Uncertain significance (1). 1 of the submissions does not count toward it. Last evaluated 2021-08-20.

Conditions:
MHC class II deficiency. Also called: BLS, TYPE II; Bare lymphocyte syndrome 2. Identifiers: Orphanet 572, MedGen C5447452, MONDO:0008855.

Allele frequency attached by ClinVar (database versions not stated): gnomAD 0.00001; gnomAD exomes 0.00001; TOPMed 0.00001; ExAC 0.00002.
gnomAD v4.1: 8 of 1,613,972 alleles (0.0005%); highest among the groups gnomAD compares: Non-Finnish European, 0.00068%; no homozygotes.

Submissions (2):

Labcorp Genetics (formerly Invitae), Labcorp
Classification: Uncertain significance for MHC class II deficiency. Last evaluated: 2021-08-20. Review status: criteria provided, single submitter. Criteria: Invitae Variant Classification Sherloc (09022015). Collection method: clinical testing. Allele origin: germline.
Comment: This sequence change replaces alanine with glycine at codon 161 of the CIITA protein (p.Ala161Gly). The alanine residue is weakly conserved and there is a small physicochemical difference between alanine and glycine. This variant is present in population databases (rs763457920, ExAC 0.003%). This variant has not been reported in the literature in individuals affected with CIITA-related conditions. Algorithms developed to predict the effect of missense changes on protein structure and function (SIFT, PolyPhen-2, Align-GVGD) all suggest that this variant is likely to be tolerated. Algorithms developed to predict the effect of sequence changes on RNA splicing suggest that this variant may create or strengthen a splice site. In summary, the available evidence is currently insufficient to determine the role of this variant in disease. Therefore, it has been classified as a Variant of Uncertain Significance.

Natera, Inc.
Classification: Uncertain significance for Bare lymphocyte syndrome type II. Last evaluated: 2020-03-04. Review status: no assertion criteria provided. Collection method: clinical testing. Allele origin: germline. Not counted in ClinVar's aggregate classification.